The following is an entry in ClinVar:

NM_024675.4(PALB2):c.1874A>G (p.Glu625Gly)

Gene: PALB2 (partner and localizer of BRCA2; minus strand). Cytogenetic location: 16p12.2.
Variant type: single nucleotide variant.
Coding change: c.1874A>G on transcript NM_024675.4 (MANE Select); coding-DNA position 1874, A replaced by G.
Protein change: p.Glu625Gly; replaces glutamic acid 625 with glycine.
Molecular consequence: missense variant.
Genome position (GRCh38, 1-based): chr16:23,630,280, T>C on the plus strand (A>G on the coding strand, the complement: PALB2 is on the minus strand). VCF-style: chr16-23630280-T-C. GRCh37 (hg19) VCF-style: chr16-23641601-T-C.
Other names: short protein forms E625G.
Identifiers: ClinVar variation 530154 (VCV000530154.9), dbSNP rs1555460607, ClinGen allele CA395127677.

ClinVar aggregate classification (germline): Uncertain significance (1 of 4 stars; one submission).

Conditions:
Familial cancer of breast. Also called: BREAST CANCER, FAMILIAL; Hereditary breast cancer; hereditary breast carcinoma. Identifiers: Orphanet 227535, MedGen C0346153, MONDO:0016419, OMIM 114480. Disease mechanism: loss of function.

Allele frequency attached by ClinVar (database versions not stated): gnomAD exomes below 0.00001.
gnomAD v4.1: 1 of 1,614,204 alleles (0.000062%); highest among the groups gnomAD compares: Non-Finnish European, 0.000085%; no homozygotes.

Submission:

Labcorp Genetics (formerly Invitae), Labcorp
Classification: Uncertain significance for Familial cancer of breast. Last evaluated: 2025-06-02. Review status: criteria provided, single submitter. Criteria: Invitae Variant Classification Sherloc (09022015). Collection method: clinical testing. Allele origin: germline.
Comment: This sequence change replaces glutamic acid, which is acidic and polar, with glycine, which is neutral and non-polar, at codon 625 of the PALB2 protein (p.Glu625Gly). This variant is not present in population databases (gnomAD no frequency). This variant has not been reported in the literature in individuals affected with PALB2-related conditions. ClinVar contains an entry for this variant (Variation ID: 530154). Invitae Evidence Modeling of protein sequence and biophysical properties (such as structural, functional, and spatial information, amino acid conservation, physicochemical variation, residue mobility, and thermodynamic stability) indicates that this missense variant is expected to disrupt PALB2 protein function with a positive predictive value of 80%. In summary, the available evidence is currently insufficient to determine the role of this variant in disease. Therefore, it has been classified as a Variant of Uncertain Significance.